The following is an entry in ClinVar:

NM_004333.6(BRAF):c.1592G>C (p.Trp531Ser)

Gene: BRAF (B-Raf proto-oncogene, serine/threonine kinase; minus strand). Cytogenetic location: 7q34.
Variant type: single nucleotide variant.
Coding change: c.1592G>C on transcript NM_004333.6 (MANE Select); coding-DNA position 1592, G replaced by C.
Protein change: p.Trp531Ser; replaces tryptophan 531 with serine.
Molecular consequence: missense variant.
Genome position (GRCh38, 1-based): chr7:140,777,014, C>G on the plus strand (G>C on the coding strand, the complement: BRAF is on the minus strand). VCF-style: chr7-140777014-C-G. GRCh37 (hg19) VCF-style: chr7-140476814-C-G.
Other names: c.1592G>C, p.Trp531Ser (NM_001354609.2); c.1712G>C, p.Trp571Ser (NM_001374244.1, NM_001374258.1); short protein forms W531S, W571S.
Identifiers: ClinVar variation 666569 (VCV000666569.2), dbSNP rs397507478, ClinGen allele CA369588174.

ClinVar aggregate classification (germline): Conflicting classifications of pathogenicity. Review status: criteria provided, conflicting classifications (1 of 4 stars). 2 submissions from 2 submitters: Pathogenic (1); Uncertain significance (1). Last evaluated 2025-11-18.

Conditions:
RASopathy. Also called: rasopathies; Noonan spectrum disorder. Identifiers: Orphanet 536391, MedGen C5555857, MONDO:0021060.
Noonan syndrome 7 (NS7). Also called: BRAF-Related Noonan Syndrome. Identifiers: Orphanet 648, MedGen C3150970, MONDO:0013379, OMIM 613706.

Submissions (2):

Labcorp Genetics (formerly Invitae), Labcorp
Classification: Uncertain significance for RASopathy. Last evaluated: 2025-11-18. Review status: criteria provided, single submitter. Criteria: Invitae Variant Classification Sherloc (09022015). Collection method: clinical testing. Allele origin: germline.
Comment: This sequence change replaces tryptophan, which is neutral and slightly polar, with serine, which is neutral and polar, at codon 531 of the BRAF protein (p.Trp531Ser). This variant is not present in population databases (gnomAD no frequency). This variant has not been reported in the literature in individuals affected with BRAF-related conditions. ClinVar contains an entry for this variant (Variation ID: 666569). Invitae Evidence Modeling of protein sequence and biophysical properties (such as structural, functional, and spatial information, amino acid conservation, physicochemical variation, residue mobility, and thermodynamic stability) indicates that this missense variant is expected to disrupt BRAF protein function with a positive predictive value of 80%. This variant disrupts the p.Trp531 amino acid residue in BRAF. Other variant(s) that disrupt this residue have been determined to be pathogenic (PMID: 19206169, 34643321, 37645600). This suggests that this residue is clinically significant, and that variants that disrupt this residue are likely to be disease-causing. In summary, the available evidence is currently insufficient to determine the role of this variant in disease. Therefore, it has been classified as a Variant of Uncertain Significance.

Equipe Genetique des Anomalies du Developpement, Université de Bourgogne
Classification: Pathogenic for Noonan syndrome 7. Last evaluated: 2018-07-24. Review status: criteria provided, single submitter. Criteria: ACMG Guidelines, 2015. Collection method: clinical testing. Allele origin: de novo. Affected: yes.

Literature cited by the submitters: PubMed 19206169 (cited by Labcorp Genetics (formerly Invitae), Labcorp); PubMed 34643321 (cited by Labcorp Genetics (formerly Invitae), Labcorp); PubMed 37645600 (cited by Labcorp Genetics (formerly Invitae), Labcorp).